The following is an entry in ClinVar:

NM_001080517.3(SETD5):c.1669G>A (p.Glu557Lys)

Gene: SETD5 (SET domain containing 5; plus strand). Cytogenetic location: 3p25.3.
Variant type: single nucleotide variant.
Coding change: c.1669G>A on transcript NM_001080517.3 (MANE Select); coding-DNA position 1669, G replaced by A.
Protein change: p.Glu557Lys; replaces glutamic acid 557 with lysine.
Molecular consequence: missense variant.
Genome position (GRCh38, 1-based): chr3:9,447,194, G>A. VCF-style: chr3-9447194-G-A. GRCh37 (hg19) VCF-style: chr3-9488878-G-A.
Other names: c.1669G>A (NM_001080517.1); c.1375G>A, p.Glu459Lys (NM_001292043.2, NM_001349451.2); short protein forms E557K, E459K.
Identifiers: ClinVar variation 3685359 (VCV003685359.3).
Genomic context (GRCh38, chr3:9,447,194, plus strand): 5'-GAACAGAGCAACTCTGATGTAGAGATTACTACAACCACCTCAGAGACTCCTGTTGGTGAA[G>A]AGACAAAAACTGAAGCCCCTGAATCTGAAGTTAGCAACTCTGTTTCAAATGTTACCATCC-3'
Protein context (NP_001073986.1, residues 547-567): TTTSETPVGE[Glu557Lys]TKTEAPESEV

ClinVar aggregate classification (germline): Uncertain significance. Review status: criteria provided, multiple submitters, no conflicts (2 of 4 stars). 2 submissions from 2 submitters: Uncertain significance (2). Last evaluated 2025-04-14.

Conditions:
Inborn genetic diseases. Identifiers: MedGen C0950123, MeSH D030342.

Submissions (2):

Ambry Genetics
Classification: Uncertain significance for Inborn genetic diseases. Last evaluated: 2025-04-14. Review status: criteria provided, single submitter. Criteria: Ambry Variant Classification Scheme 2023. Collection method: clinical testing. Allele origin: germline.

Labcorp Genetics (formerly Invitae), Labcorp
Classification: Uncertain significance. Last evaluated: 2024-06-15. Review status: criteria provided, single submitter. Criteria: Invitae Variant Classification Sherloc (09022015). Collection method: clinical testing. Allele origin: germline.
Comment: This sequence change replaces glutamic acid, which is acidic and polar, with lysine, which is basic and polar, at codon 557 of the SETD5 protein (p.Glu557Lys). This variant is not present in population databases (gnomAD no frequency). This variant has not been reported in the literature in individuals affected with SETD5-related conditions. Advanced modeling of protein sequence and biophysical properties (such as structural, functional, and spatial information, amino acid conservation, physicochemical variation, residue mobility, and thermodynamic stability) has been performed at Invitae for this missense variant, however the output from this modeling did not meet the statistical confidence thresholds required to predict the impact of this variant on SETD5 protein function. In summary, the available evidence is currently insufficient to determine the role of this variant in disease. Therefore, it has been classified as a Variant of Uncertain Significance.